The following is an entry in ClinVar:

ClinVar aggregate classification (germline): Uncertain significance (1 of 4 stars; one submission).

Conditions:
Orthostatic hypotension 1 (ORTHYP1). Also called: Orthostatic hypotension 1, due to DBH deficiency; NORADRENALINE DEFICIENCY; NOREPINEPHRINE DEFICIENCY; Dopamine beta-hydroxylase deficiency. Identifiers: Orphanet 230, MedGen C4746777, MONDO:0009123, OMIM 223360.

gnomAD v4.1: 1 of 1,614,148 alleles (0.000062%); highest among the groups gnomAD compares: Non-Finnish European, 0.000085%; no homozygotes.

Submission:

Labcorp Genetics (formerly Invitae), Labcorp
Classification: Uncertain significance for Orthostatic hypotension 1. Last evaluated: 2023-12-11. Review status: criteria provided, single submitter. Criteria: Invitae Variant Classification Sherloc (09022015). Collection method: clinical testing. Allele origin: germline.
Comment: This sequence change replaces threonine, which is neutral and polar, with serine, which is neutral and polar, at codon 213 of the DBH protein (p.Thr213Ser). This variant is not present in population databases (gnomAD no frequency). This variant has not been reported in the literature in individuals affected with DBH-related conditions. ClinVar contains an entry for this variant (Variation ID: 2074748). Advanced modeling of protein sequence and biophysical properties (such as structural, functional, and spatial information, amino acid conservation, physicochemical variation, residue mobility, and thermodynamic stability) performed at Invitae indicates that this missense variant is not expected to disrupt DBH protein function with a negative predictive value of 80%. In summary, the available evidence is currently insufficient to determine the role of this variant in disease. Therefore, it has been classified as a Variant of Uncertain Significance.

NM_000787.4(DBH):c.638C>G (p.Thr213Ser)

Gene: DBH (dopamine beta-hydroxylase; plus strand). Cytogenetic location: 9q34.2.
Variant type: single nucleotide variant.
Coding change: c.638C>G on transcript NM_000787.4 (MANE Select); coding-DNA position 638, C replaced by G.
Protein change: p.Thr213Ser; replaces threonine 213 with serine.
Molecular consequence: missense variant.
Genome position (GRCh38, 1-based): chr9:133,642,358, C>G. VCF-style: chr9-133642358-C-G. GRCh37 (hg19) VCF-style: chr9-136507480-C-G.
Other names: short protein forms T213S.
Identifiers: ClinVar variation 2074748 (VCV002074748.4), dbSNP rs769469848, ClinGen allele CA375411598.
Genomic context (GRCh38, chr9:133,642,358, plus strand): 5'-AGAGGGTGCAGCTCCTGAAGCCCAATATCCCCGAACCGGAGTTGCCCTCAGACGCGTGCA[C>G]CATGGAGGTCCAAGCTCCCAATATCCAGATCCCCAGCCAGGAGACCACGTACTGGTGCTA-3'
Protein context (NP_000778.3, residues 203-223): PEPELPSDAC[Thr213Ser]MEVQAPNIQI